The following is an entry in ClinVar:

NM_006445.4(PRPF8):c.2634G>A (p.Leu878=)

Gene: PRPF8 (pre-mRNA processing factor 8; minus strand). Cytogenetic location: 17p13.3.
Variant type: single nucleotide variant.
Coding change: c.2634G>A on transcript NM_006445.4 (MANE Select); coding-DNA position 2634, G replaced by A.
Protein change: p.Leu878=; no amino-acid change (leucine 878 retained).
Molecular consequence: synonymous variant.
Genome position (GRCh38, 1-based): chr17:1,675,973, C>T on the plus strand (G>A on the coding strand, the complement: PRPF8 is on the minus strand). VCF-style: chr17-1675973-C-T. GRCh37 (hg19) VCF-style: chr17-1579267-C-T.
Other names: c.2634G>A (NM_006445.3).
Identifiers: ClinVar variation 1139508 (VCV001139508.8), dbSNP rs759657903, ClinGen allele CA8272079.

ClinVar aggregate classification (germline): Likely benign. Review status: criteria provided, multiple submitters, no conflicts (2 of 4 stars). 2 submissions from 2 submitters: Likely benign (2). Last evaluated 2026-06-21.

Conditions:
PRPF8-related disorder. Also called: PRPF8-related condition.

Allele frequency attached by ClinVar (database versions not stated): ExAC 0.00002; gnomAD exomes 0.00002.
gnomAD v4.1: 22 of 1,614,088 alleles (0.0014%); highest among the groups gnomAD compares: South Asian, 0.02%; no homozygotes.

Submissions (2):

PreventionGenetics, part of Exact Sciences
Classification: Likely benign for PRPF8-related condition. Last evaluated: 2026-06-21. Review status: criteria provided, single submitter. Criteria: ACMG Guidelines, 2015. Collection method: clinical testing. Allele origin: germline.
Comment: This variant is classified as likely benign based on ACMG/AMP sequence variant interpretation guidelines (Richards et al. 2015 PMID: 25741868, with internal and published modifications).

Labcorp Genetics (formerly Invitae), Labcorp
Classification: Likely benign. Last evaluated: 2022-07-18. Review status: criteria provided, single submitter. Criteria: Invitae Variant Classification Sherloc (09022015). Collection method: clinical testing. Allele origin: germline.